The following is an entry in ClinVar:

ClinVar aggregate classification (germline): Uncertain significance (1 of 4 stars; one submission).

Allele frequency attached by ClinVar (database versions not stated): gnomAD exomes below 0.00001 and 0.00001; ExAC 0.00001; gnomAD 0.00001; TOPMed 0.00001.

Submission:

Labcorp Genetics (formerly Invitae), Labcorp
Classification: Uncertain significance. Last evaluated: 2025-01-08. Review status: criteria provided, single submitter. Criteria: Invitae Variant Classification Sherloc (09022015). Collection method: clinical testing. Allele origin: germline.
Comment: This sequence change replaces valine, which is neutral and non-polar, with alanine, which is neutral and non-polar, at codon 454 of the ERCC2 protein (p.Val454Ala). This variant is present in population databases (rs780844758, gnomAD 0.01%). This missense change has been observed in individual(s) with ERCC2-related conditions (PMID: 36845387). ClinVar contains an entry for this variant (Variation ID: 1404390). Invitae Evidence Modeling of protein sequence and biophysical properties (such as structural, functional, and spatial information, amino acid conservation, physicochemical variation, residue mobility, and thermodynamic stability) indicates that this missense variant is expected to disrupt ERCC2 protein function with a positive predictive value of 80%. In summary, the available evidence is currently insufficient to determine the role of this variant in disease. Therefore, it has been classified as a Variant of Uncertain Significance.

Literature cited by the submitters: PubMed 36845387.

NM_000400.4(ERCC2):c.1361T>C (p.Val454Ala)

Gene: ERCC2 (ERCC excision repair 2, TFIIH core complex helicase subunit; minus strand). Cytogenetic location: 19q13.32.
Variant type: single nucleotide variant.
Coding change: c.1361T>C on transcript NM_000400.4 (MANE Select); coding-DNA position 1361, T replaced by C.
Protein change: p.Val454Ala; replaces valine 454 with alanine.
Molecular consequence: missense variant.
Genome position (GRCh38, 1-based): chr19:45,357,490, A>G on the plus strand (T>C on the coding strand, the complement: ERCC2 is on the minus strand). VCF-style: chr19-45357490-A-G. GRCh37 (hg19) VCF-style: chr19-45860748-A-G.
Other names: short protein forms V454A.
Identifiers: ClinVar variation 1404390 (VCV001404390.6), dbSNP rs780844758, ClinGen allele CA9513339.